The following is an entry in ClinVar:

ClinVar aggregate classification (germline): Uncertain significance (1 of 4 stars; one submission).

Allele frequency attached by ClinVar (database versions not stated): gnomAD exomes below 0.00001; TOPMed 0.00002.

Submission:

Labcorp Genetics (formerly Invitae), Labcorp
Classification: Uncertain significance. Last evaluated: 2022-11-01. Review status: criteria provided, single submitter. Criteria: Invitae Variant Classification Sherloc (09022015). Collection method: clinical testing. Allele origin: germline.
Comment: In summary, the available evidence is currently insufficient to determine the role of this variant in disease. Therefore, it has been classified as a Variant of Uncertain Significance. Algorithms developed to predict the effect of missense changes on protein structure and function (SIFT, PolyPhen-2, Align-GVGD) all suggest that this variant is likely to be disruptive. This variant has not been reported in the literature in individuals affected with HARS2-related conditions. This variant is not present in population databases (gnomAD no frequency). This sequence change replaces glycine, which is neutral and non-polar, with arginine, which is basic and polar, at codon 226 of the HARS2 protein (p.Gly226Arg).

NM_012208.4(HARS2):c.676G>C (p.Gly226Arg)

Gene: HARS2 (histidyl-tRNA synthetase 2, mitochondrial; plus strand). Cytogenetic location: 5q31.3.
Variant type: single nucleotide variant.
Coding change: c.676G>C on transcript NM_012208.4 (MANE Select); coding-DNA position 676, G replaced by C.
Protein change: p.Gly226Arg; replaces glycine 226 with arginine.
Molecular consequence: missense variant.
Genome position (GRCh38, 1-based): chr5:140,696,145, G>C. VCF-style: chr5-140696145-G-C. GRCh37 (hg19) VCF-style: chr5-140075730-G-C.
Other names: c.601G>C, p.Gly201Arg (NM_001278731.2); c.244G>C, p.Gly82Arg (NM_001278732.2); c.694G>C, p.Gly232Arg (NM_001363535.2); c.466G>C, p.Gly156Arg (NM_001363536.2); short protein forms G226R, G232R, G82R, G156R, G201R.
Identifiers: ClinVar variation 1950472 (VCV001950472.5), dbSNP rs961535011, ClinGen allele CA128342055.